The following is an entry in ClinVar:

ClinVar aggregate classification (germline): Uncertain significance (1 of 4 stars; one submission).

Submission:

Labcorp Genetics (formerly Invitae), Labcorp
Classification: Uncertain significance. Last evaluated: 2022-05-30. Review status: criteria provided, single submitter. Criteria: Invitae Variant Classification Sherloc (09022015). Collection method: clinical testing. Allele origin: germline.
Comment: This variant is not present in population databases (gnomAD no frequency). This variant has not been reported in the literature in individuals affected with CACNA1E-related conditions. Advanced modeling of protein sequence and biophysical properties (such as structural, functional, and spatial information, amino acid conservation, physicochemical variation, residue mobility, and thermodynamic stability) performed at Invitae indicates that this missense variant is not expected to disrupt CACNA1E protein function. In summary, the available evidence is currently insufficient to determine the role of this variant in disease. Therefore, it has been classified as a Variant of Uncertain Significance. This sequence change replaces proline, which is neutral and non-polar, with serine, which is neutral and polar, at codon 873 of the CACNA1E protein (p.Pro873Ser).

NM_001205293.3(CACNA1E):c.2617C>T (p.Pro873Ser)

Gene: CACNA1E (calcium voltage-gated channel subunit alpha1 E; plus strand). Cytogenetic location: 1q25.3.
Variant type: single nucleotide variant.
Coding change: c.2617C>T on transcript NM_001205293.3 (MANE Select); coding-DNA position 2617, C replaced by T.
Protein change: p.Pro873Ser; replaces proline 873 with serine.
Molecular consequence: missense variant.
Genome position (GRCh38, 1-based): chr1:181,732,703, C>T. VCF-style: chr1-181732703-C-T. GRCh37 (hg19) VCF-style: chr1-181701839-C-T.
Other names: c.2617C>T, p.Pro873Ser (NM_000721.4); c.2560C>T, p.Pro854Ser (NM_001205294.2); short protein forms P873S, P854S.
Identifiers: ClinVar variation 1997238 (VCV001997238.4), dbSNP rs2528697086, ClinGen allele CA343618162.